The following is an entry in ClinVar:

ClinVar aggregate classification (germline): Likely benign. Review status: criteria provided, multiple submitters, no conflicts (2 of 4 stars). 3 submissions from 3 submitters: Likely benign (3). Last evaluated 2025-08-25.

Conditions:
Birt-Hogg-Dube syndrome 1 (BHD1). Also called: FIBROFOLLICULOMAS WITH TRICHODISCOMAS AND ACROCHORDONS. Identifiers: Orphanet 122, MedGen CN375946, MONDO:0800445, OMIM 135150.
Birt-Hogg-Dube syndrome. Also called: Birt Hogg Dubé syndrome. Identifiers: Orphanet 122, MedGen C0346010, MONDO:0800444.
Hereditary cancer-predisposing syndrome. Also called: Neoplastic Syndromes, Hereditary; Tumor predisposition; Hereditary Cancer Syndrome; Hereditary neoplastic syndrome. Identifiers: Orphanet 140162, MedGen C0027672, MeSH D009386, MONDO:0015356.

gnomAD v4.1: 1 of 1,577,998 alleles (0.000063%); highest among the groups gnomAD compares: Non-Finnish European, 0.000086%; no homozygotes.

Submissions (3):

Ambry Genetics
Classification: Likely benign for Hereditary cancer-predisposing syndrome. Last evaluated: 2025-08-25. Review status: criteria provided, single submitter. Criteria: Ambry Variant Classification Scheme 2023. Collection method: clinical testing. Allele origin: germline.

Myriad Genetics, Inc.
Classification: Likely benign for Birt-Hogg-Dube syndrome 1. Last evaluated: 2024-10-22. Review status: criteria provided, single submitter. Criteria: Myriad Autosomal Dominant, Autosomal Recessive and X-Linked Classification Criteria (2023). Collection method: clinical testing. Allele origin: unknown.
Comment: This variant is considered likely benign. This variant is intronic and is not expected to impact mRNA splicing.

Labcorp Genetics (formerly Invitae), Labcorp
Classification: Likely benign for Birt-Hogg-Dube syndrome. Last evaluated: 2024-08-11. Review status: criteria provided, single submitter. Criteria: Invitae Variant Classification Sherloc (09022015). Collection method: clinical testing. Allele origin: germline.

NM_144997.7(FLCN):c.397-4C>T

Gene: FLCN (folliculin; minus strand). Cytogenetic location: 17p11.2.
Variant type: single nucleotide variant.
Coding change: c.397-4C>T on transcript NM_144997.7 (MANE Select); 4 bases into the intron before coding-DNA position 397, C replaced by T.
Molecular consequence: intron variant.
Genome position (GRCh38, 1-based): chr17:17,224,147, G>A on the plus strand (C>T on the coding strand, the complement: FLCN is on the minus strand). VCF-style: chr17-17224147-G-A. GRCh37 (hg19) VCF-style: chr17-17127461-G-A.
Other names: c.397-4C>T (NM_144997.5, NM_001353231.2, NM_001353230.2 and 1 more transcripts); c.451-4C>T (NM_001353229.2).
Identifiers: ClinVar variation 3617498 (VCV003617498.4).
Genomic context (GRCh38, chr17:17,224,147, plus strand): 5'-CACAAAGCCGTGCTGCTCATCTCCGAAGAAGATGGGGCCTTCACGGCCAGGGCAGACCTG[G>A]AGGGACACCGGCGACTCAGACAGCCCTTTCCTCGCTTAGTGACACCAAATCAAAGCCTCT-3'